The following is an entry in ClinVar:

ClinVar aggregate classification (germline): Conflicting classifications of pathogenicity. Review status: criteria provided, conflicting classifications (1 of 4 stars). 2 submissions from 2 submitters: Likely pathogenic (1); Uncertain significance (1). Last evaluated 2026-08-28.

Conditions:
Familial thoracic aortic aneurysm and aortic dissection (TAAD). Also called: Thoracic aortic aneurysms and dissections. Identifiers: Orphanet 91387, MedGen C4707243, MONDO:0019625.
Ehlers-Danlos syndrome, kyphoscoliotic type 1 (EDSKSCL1). Also called: Ehlers-Danlos syndrome, hydroxylysine-deficient; EHLERS-DANLOS SYNDROME, OCULAR-SCOLIOTIC TYPE; PLOD1-Related Kyphoscoliotic Ehlers-Danlos Syndrome; EHLERS-DANLOS SYNDROME, TYPE VIA. Identifiers: Orphanet 1900, MedGen C0268342, MONDO:0016002, OMIM 225400. Disease mechanism: loss of function.

gnomAD v4.1: 1 of 1,614,044 alleles (0.000062%); highest among the groups gnomAD compares: Non-Finnish European, 0.000085%; no homozygotes.

Submissions (2):

Ambry Genetics
Classification: Likely pathogenic for Familial thoracic aortic aneurysm and aortic dissection. Last evaluated: 2026-08-28. Review status: criteria provided, single submitter. Criteria: Ambry Variant Classification Scheme 2023. Collection method: clinical testing. Allele origin: germline.
Comment: The c.1706T>C (p.L569P) alteration is located in exon 16 (coding exon 16) of the PLOD1 gene. This alteration results from a T to C substitution at nucleotide position 1706, causing the leucine (L) at amino acid position 569 to be replaced by a proline (P). This variant was not reported in population-based cohorts in the Genome Aggregation Database (gnomAD). Other variant(s) at the same codon, c.1706T>A (p.L569Q), have been identified in individual(s) with features consistent with PLOD1-related kyphoscoliotic Ehlers-Danlos syndrome (external communication). This amino acid position is well conserved in available vertebrate species. Based on internal structural analysis, this variant is anticipated to result in a significant decrease in structural stability (Ambry internal data). This alteration is predicted to be deleterious by in silico analysis. Based on the available evidence, this alteration is classified as likely pathogenic.

Labcorp Genetics (formerly Invitae), Labcorp
Classification: Uncertain significance for Ehlers-Danlos syndrome, kyphoscoliotic type 1. Last evaluated: 2021-12-19. Review status: criteria provided, single submitter. Criteria: Invitae Variant Classification Sherloc (09022015). Collection method: clinical testing. Allele origin: germline.
Comment: This sequence change replaces leucine, which is neutral and non-polar, with proline, which is neutral and non-polar, at codon 569 of the PLOD1 protein (p.Leu569Pro). This variant is not present in population databases (gnomAD no frequency). This variant has not been reported in the literature in individuals affected with PLOD1-related conditions. Algorithms developed to predict the effect of missense changes on protein structure and function (SIFT, PolyPhen-2, Align-GVGD) all suggest that this variant is likely to be disruptive. In summary, the available evidence is currently insufficient to determine the role of this variant in disease. Therefore, it has been classified as a Variant of Uncertain Significance.

NM_000302.4(PLOD1):c.1706T>C (p.Leu569Pro)

Gene: PLOD1 (procollagen-lysine,2-oxoglutarate 5-dioxygenase 1; plus strand). Cytogenetic location: 1p36.22.
Variant type: single nucleotide variant.
Coding change: c.1706T>C on transcript NM_000302.4 (MANE Select); coding-DNA position 1706, T replaced by C.
Protein change: p.Leu569Pro; replaces leucine 569 with proline.
Molecular consequence: missense variant.
Genome position (GRCh38, 1-based): chr1:11,967,042, T>C. VCF-style: chr1-11967042-T-C. GRCh37 (hg19) VCF-style: chr1-12027099-T-C.
Other names: c.1706T>C (NM_000302.3); c.1847T>C, p.Leu616Pro (NM_001316320.2); short protein forms L569P, L616P.
Identifiers: ClinVar variation 2049705 (VCV002049705.3), dbSNP rs773547480, ClinGen allele CA338447644.